The following is an entry in ClinVar:

ClinVar aggregate classification (germline): Conflicting classifications of pathogenicity. Review status: criteria provided, conflicting classifications (1 of 4 stars). 6 submissions from 6 submitters: Uncertain significance (1); Benign (2); Likely benign (3). Last evaluated 2026-06-01.

Conditions:
Primary ciliary dyskinesia. Also called: Ciliary dyskinesia. Identifiers: Orphanet 244, MedGen C0008780, MONDO:0016575, HP:0012265.
Primary ciliary dyskinesia 10. Also called: CILIARY DYSKINESIA, PRIMARY, 10, WITH OR WITHOUT SITUS INVERSUS. Identifiers: Orphanet 244, MedGen C2675867, MONDO:0012918, OMIM 612518.

Allele frequency attached by ClinVar (database versions not stated): 1000 Genomes Project 30x 0.00047; gnomAD 0.00049 and 0.00067; TOPMed 0.00050; 1000 Genomes Project 0.00060; ESP Exome Variant Server 0.00092; gnomAD exomes 0.00140; ExAC 0.00149.
gnomAD v4.1: 1,462 of 1,613,980 alleles (0.091%); highest among the groups gnomAD compares: South Asian, 0.65%; 12 homozygotes.

Submissions (6):

CeGaT Center for Human Genetics Tuebingen
Classification: Likely benign. Last evaluated: 2026-06-01. Review status: criteria provided, single submitter. Criteria: CeGaT Center For Human Genetics Tuebingen Variant Classification Criteria Version 2. Collection method: clinical testing. Allele origin: germline. Affected: yes. Observed: 2 variant alleles.
Comment: DNAAF2: BP4, BS2

Labcorp Genetics (formerly Invitae), Labcorp
Classification: Benign for Primary ciliary dyskinesia. Last evaluated: 2026-02-01. Review status: criteria provided, single submitter. Criteria: Invitae Variant Classification Sherloc (09022015). Collection method: clinical testing. Allele origin: germline.

Blueprint Genetics
Classification: Likely benign. Last evaluated: 2024-11-26. Review status: criteria provided, single submitter. Criteria: ACMG Guidelines, 2015. Collection method: clinical testing. Allele origin: germline.

Ambry Genetics
Classification: Benign for Primary ciliary dyskinesia. Last evaluated: 2018-01-15. Review status: criteria provided, single submitter. Criteria: Ambry Variant Classification Scheme 2023. Collection method: clinical testing. Allele origin: germline.

Illumina Laboratory Services, Illumina
Classification: Uncertain significance for Primary ciliary dyskinesia 10. Last evaluated: 2018-01-13. Review status: criteria provided, single submitter. Criteria: ICSL Variant Classification Criteria 13 December 2019. Collection method: clinical testing. Allele origin: germline.

Eurofins Ntd Llc (ga)
Classification: Likely benign. Last evaluated: 2015-03-05. Review status: criteria provided, single submitter. Criteria: EGL Classification Definitions 2015. Collection method: clinical testing. Allele origin: germline. Observed: 1 variant allele, 1 heterozygote.

NM_018139.3(DNAAF2):c.1584T>A (p.Asn528Lys)

Gene: DNAAF2 (dynein axonemal assembly factor 2; minus strand). Cytogenetic location: 14q21.3.
Variant type: single nucleotide variant.
Coding change: c.1584T>A on transcript NM_018139.3 (MANE Select); coding-DNA position 1584, T replaced by A.
Protein change: p.Asn528Lys; replaces asparagine 528 with lysine.
Molecular consequence: missense variant. On other transcripts: 5 prime UTR variant (1).
Genome position (GRCh38, 1-based): chr14:49,633,566, A>T on the plus strand (T>A on the coding strand, the complement: DNAAF2 is on the minus strand). VCF-style: chr14-49633566-A-T. GRCh37 (hg19) VCF-style: chr14-50100284-A-T.
Other names: c.1584T>A, p.Asn528Lys (NM_001083908.2); c.-288T>A (NM_001378453.1); short protein forms N528K.
Identifiers: ClinVar variation 193393 (VCV000193393.47), dbSNP rs144077436, ClinGen allele CA200549.